The following is an entry in ClinVar:

ClinVar aggregate classification (germline): Pathogenic. Review status: criteria provided, multiple submitters, no conflicts (2 of 4 stars). 3 submissions from 3 submitters: Pathogenic (3). Last evaluated 2025-10-08.

Conditions:
Von Hippel-Lindau syndrome (VHLS). Also called: von Hippel–Lindau syndrome; Von Hippel-Lindau; VHL syndrome. Identifiers: Orphanet 892, MedGen C0019562, MONDO:0008667, OMIM 193300. Disease mechanism: loss of function.
Chuvash polycythemia. Also called: POLYCYTHEMIA, VHL-DEPENDENT. Identifiers: Orphanet 238557, MedGen C1837915, MONDO:0009892, OMIM 263400.

Submissions (3):

Labcorp Genetics (formerly Invitae), Labcorp
Classification: Pathogenic for Von Hippel-Lindau syndrome; Chuvash polycythemia. Last evaluated: 2025-10-08. Review status: criteria provided, single submitter. Criteria: Invitae Variant Classification Sherloc (09022015). Collection method: clinical testing. Allele origin: germline.
Comment: This sequence change creates a premature translational stop signal (p.Tyr98*) in the VHL gene. It is expected to result in an absent or disrupted protein product. Loss-of-function variants in VHL are known to be pathogenic (PMID: 8956040, 12202531). This variant is not present in population databases (gnomAD no frequency). This premature translational stop signal has been observed in individual(s) with autosomal dominant VHL-related conditions (PMID: 29729363). ClinVar contains an entry for this variant (Variation ID: 625235). For these reasons, this variant has been classified as Pathogenic.

GeneDx
Classification: Pathogenic. Last evaluated: 2023-06-19. Review status: criteria provided, single submitter. Criteria: GeneDx Variant Classification Process June 2021. Collection method: clinical testing. Allele origin: germline. Affected: yes.
Comment: Nonsense variant predicted to result in protein truncation or nonsense mediated decay in a gene for which loss of function is a known mechanism of disease; Not observed at significant frequency in large population cohorts (gnomAD); Has not been previously published as pathogenic or benign to our knowledge; This variant is associated with the following publications: (PMID: 23606570, 29729363, 10925357)

Genomic Diagnostic Laboratory, Division of Genomic Diagnostics, Children's Hospital of Philadelphia
Classification: Pathogenic for von Hippel-Lindau syndrome. Last evaluated: 2018-08-01. Review status: criteria provided, single submitter. Criteria: DGD Variant Analysis Guidelines. Collection method: clinical testing. Allele origin: germline. Affected: yes. Observed: 1 variant allele.

Literature cited by the submitters: PubMed 8956040 (cited by Labcorp Genetics (formerly Invitae), Labcorp); PubMed 12202531 (cited by Labcorp Genetics (formerly Invitae), Labcorp); PubMed 29729363 (cited by Labcorp Genetics (formerly Invitae), Labcorp).

NM_000551.4(VHL):c.294C>G (p.Tyr98Ter)

Gene: VHL (von Hippel-Lindau tumor suppressor; plus strand). Cytogenetic location: 3p25.3.
Variant type: single nucleotide variant.
Coding change: c.294C>G on transcript NM_000551.4 (MANE Select); coding-DNA position 294, C replaced by G.
Protein change: p.Tyr98Ter; replaces tyrosine 98 with a stop codon.
Molecular consequence: nonsense.
Genome position (GRCh38, 1-based): chr3:10,142,141, C>G. VCF-style: chr3-10142141-C-G. GRCh37 (hg19) VCF-style: chr3-10183825-C-G.
Other names: c.294C>G, p.Tyr98Ter (NM_001354723.2, NM_198156.3); short protein forms Y98*.
Identifiers: ClinVar variation 625235 (VCV000625235.3), dbSNP rs1559426115, ClinGen allele CA16621910.